The following is an entry in ClinVar:

NM_001370259.2(MEN1):c.1802C>G (p.Ser601Cys)

Gene: MEN1 (menin 1; minus strand). Cytogenetic location: 11q13.1.
Variant type: single nucleotide variant.
Coding change: c.1802C>G on transcript NM_001370259.2 (MANE Select); coding-DNA position 1802, C replaced by G.
Protein change: p.Ser601Cys; replaces serine 601 with cysteine.
Molecular consequence: missense variant.
Genome position (GRCh38, 1-based): chr11:64,804,365, G>C on the plus strand (C>G on the coding strand, the complement: MEN1 is on the minus strand). VCF-style: chr11-64804365-G-C. GRCh37 (hg19) VCF-style: chr11-64571837-G-C.
Other names: c.1817C>G, p.Ser606Cys (NM_000244.4, NM_001407145.1, NM_130800.3 and 4 more transcripts); c.1928C>G, p.Ser643Cys (NM_001370251.2, NM_001407142.1, NM_001407143.1 and 1 more transcripts); c.1802C>G, p.Ser601Cys (NM_001370260.2, NM_001370261.2, NM_001407146.1 and 2 more transcripts); c.1697C>G, p.Ser566Cys (NM_001370262.2, NM_001370263.2, NM_001407148.1 and 1 more transcripts); c.1943C>G, p.Ser648Cys (NM_001407150.1); c.1823C>G, p.Ser608Cys (NM_001407151.1); c.1637C>G, p.Ser546Cys (NM_001407152.1); short protein forms S546C, S566C, S601C, S606C, S608C, S643C, S648C.
Identifiers: ClinVar variation 1720343 (VCV001720343.5), dbSNP rs2497099053, ClinGen allele CA381177161.

ClinVar aggregate classification (germline): Uncertain significance (1 of 4 stars; one submission).

Conditions:
Multiple endocrine neoplasia, type 1 (MEN1). Also called: MEN I; WERMER SYNDROME; Endocrine adenomatosis multiple; MEN 1; MEA I. Identifiers: Orphanet 652, MedGen C0025267, MeSH D018761, MONDO:0007540, OMIM 131100.

Submission:

Labcorp Genetics (formerly Invitae), Labcorp
Classification: Uncertain significance for Multiple endocrine neoplasia, type 1. Last evaluated: 2022-09-25. Review status: criteria provided, single submitter. Criteria: Invitae Variant Classification Sherloc (09022015). Collection method: clinical testing. Allele origin: germline.
Comment: This sequence change replaces serine, which is neutral and polar, with cysteine, which is neutral and slightly polar, at codon 601 of the MEN1 protein (p.Ser601Cys). This variant is not present in population databases (gnomAD no frequency). This variant has not been reported in the literature in individuals affected with MEN1-related conditions. Advanced modeling of protein sequence and biophysical properties (such as structural, functional, and spatial information, amino acid conservation, physicochemical variation, residue mobility, and thermodynamic stability) performed at Invitae indicates that this missense variant is expected to disrupt MEN1 protein function. In summary, the available evidence is currently insufficient to determine the role of this variant in disease. Therefore, it has been classified as a Variant of Uncertain Significance.